The following is an entry in ClinVar:

NM_001165967.2(HES7):c.296C>T (p.Ser99Phe)

Gene: HES7 (hes family bHLH transcription factor 7; minus strand). Cytogenetic location: 17p13.1.
Variant type: single nucleotide variant.
Coding change: c.296C>T on transcript NM_001165967.2 (MANE Select); coding-DNA position 296, C replaced by T.
Protein change: p.Ser99Phe; replaces serine 99 with phenylalanine.
Molecular consequence: missense variant.
Genome position (GRCh38, 1-based): chr17:8,121,968, G>A on the plus strand (C>T on the coding strand, the complement: HES7 is on the minus strand). VCF-style: chr17-8121968-G-A. GRCh37 (hg19) VCF-style: chr17-8025286-G-A.
Other names: c.281C>T, p.Ser94Phe (NM_032580.4); c.281C>T (NM_032580.3); short protein forms S99F, S94F.
Identifiers: ClinVar variation 1417518 (VCV001417518.7), dbSNP rs756066802, ClinGen allele CA8368666.

ClinVar aggregate classification (germline): Uncertain significance. Review status: criteria provided, multiple submitters, no conflicts (2 of 4 stars). 2 submissions from 2 submitters: Uncertain significance (2). Last evaluated 2024-11-12.

Conditions:
Inborn genetic diseases. Identifiers: MedGen C0950123, MeSH D030342.

Allele frequency attached by ClinVar (database versions not stated): ExAC 0.00003; gnomAD 0.00003 and 0.00004; gnomAD exomes 0.00006; TOPMed 0.00008.
gnomAD v4.1: 209 of 1,550,862 alleles (0.013%); highest among the groups gnomAD compares: Non-Finnish European, 0.018%; no homozygotes.

Submissions (2):

Ambry Genetics
Classification: Uncertain significance for Inborn genetic diseases. Last evaluated: 2024-11-12. Review status: criteria provided, single submitter. Criteria: Ambry Variant Classification Scheme 2023. Collection method: clinical testing. Allele origin: germline.

Labcorp Genetics (formerly Invitae), Labcorp
Classification: Uncertain significance. Last evaluated: 2024-02-24. Review status: criteria provided, single submitter. Criteria: Invitae Variant Classification Sherloc (09022015). Collection method: clinical testing. Allele origin: germline.
Comment: This sequence change replaces serine, which is neutral and polar, with phenylalanine, which is neutral and non-polar, at codon 94 of the HES7 protein (p.Ser94Phe). This variant is present in population databases (rs756066802, gnomAD 0.01%). This variant has not been reported in the literature in individuals affected with HES7-related conditions. ClinVar contains an entry for this variant (Variation ID: 1417518). An algorithm developed to predict the effect of missense changes on protein structure and function (PolyPhen-2) suggests that this variant is likely to be disruptive. In summary, the available evidence is currently insufficient to determine the role of this variant in disease. Therefore, it has been classified as a Variant of Uncertain Significance.